The following is an entry in ClinVar:

NM_003816.3(ADAM9):c.451C>A (p.Pro151Thr)

Gene: ADAM9 (ADAM metallopeptidase domain 9; plus strand). Cytogenetic location: 8p11.22.
Variant type: single nucleotide variant.
Coding change: c.451C>A on transcript NM_003816.3 (MANE Select); coding-DNA position 451, C replaced by A.
Protein change: p.Pro151Thr; replaces proline 151 with threonine.
Molecular consequence: missense variant. On other transcripts: non-coding transcript variant (3).
Genome position (GRCh38, 1-based): chr8:39,017,259, C>A. VCF-style: chr8-39017259-C-A. GRCh37 (hg19) VCF-style: chr8-38874778-C-A.
Other names: short protein forms P151T.
Identifiers: ClinVar variation 1478659 (VCV001478659.6), dbSNP rs2129433171, ClinGen allele CA370753291.
Genomic context (GRCh38, chr8:39,017,259, plus strand): 5'-ACGTGTAATGCAACATTCAGAGGATTGCTGCATTTAGAGAATGCGAGTTATGGGATTGAA[C>A]CCCTGCAGAACAGCTCTCATTTTGAGCACATCATTTATCGAATGGATGATGTCTACAAAG-3'
Protein context (NP_003807.1, residues 141-161): HLENASYGIE[Pro151Thr]LQNSSHFEHI

ClinVar aggregate classification (germline): Uncertain significance (1 of 4 stars; one submission).

Allele frequency attached by ClinVar (database versions not stated): gnomAD exomes below 0.00001.
gnomAD v4.1: 1 of 1,614,060 alleles (0.000062%); highest among the groups gnomAD compares: Non-Finnish European, 0.000085%; no homozygotes.

Submission:

Labcorp Genetics (formerly Invitae), Labcorp
Classification: Uncertain significance. Last evaluated: 2023-08-04. Review status: criteria provided, single submitter. Criteria: Invitae Variant Classification Sherloc (09022015). Collection method: clinical testing. Allele origin: germline.
Comment: In summary, the available evidence is currently insufficient to determine the role of this variant in disease. Therefore, it has been classified as a Variant of Uncertain Significance. Algorithms developed to predict the effect of sequence changes on RNA splicing suggest that this variant may disrupt the consensus splice site. Advanced modeling of protein sequence and biophysical properties (such as structural, functional, and spatial information, amino acid conservation, physicochemical variation, residue mobility, and thermodynamic stability) performed at Invitae indicates that this missense variant is expected to disrupt ADAM9 protein function. ClinVar contains an entry for this variant (Variation ID: 1478659). This variant has not been reported in the literature in individuals affected with ADAM9-related conditions. This variant is not present in population databases (gnomAD no frequency). This sequence change replaces proline, which is neutral and non-polar, with threonine, which is neutral and polar, at codon 151 of the ADAM9 protein (p.Pro151Thr).